The following is an entry in ClinVar:

NM_152906.7(TANGO2):c.710+143G>C

Gene: TANGO2 (transport and golgi organization 2 homolog; plus strand). Cytogenetic location: 22q11.21.
Variant type: single nucleotide variant.
Coding change: c.710+143G>C on transcript NM_152906.7 (MANE Select); 143 bases into the intron after coding-DNA position 710, G replaced by C.
Molecular consequence: intron variant. On other transcripts: missense variant (6).
Genome position (GRCh38, 1-based): chr22:20,063,585, G>C. VCF-style: chr22-20063585-G-C. GRCh37 (hg19) VCF-style: chr22-20051108-G-C.
Other names: c.976G>C, p.Asp326His (NM_001322141.2); c.853G>C, p.Asp285His (NM_001322142.2); c.751G>C, p.Asp251His (NM_001322146.2); c.559G>C, p.Asp187His (NM_001322150.2, NM_001322153.2, NM_001322155.2); c.710+143G>C (NM_001283106.3, NM_001283116.3); c.524+143G>C (NM_001322163.2, NM_001283179.3, NM_001322167.2 and 2 more transcripts); c.416+143G>C (NM_001322174.2, NM_001322172.2, NM_001322175.2 and 3 more transcripts); c.606+143G>C (NM_001322160.2); and 10 more; short protein forms D187H, D251H, D285H, D326H.
Identifiers: ClinVar variation 2662737 (VCV002662737.3), dbSNP rs145587939, ClinGen allele CA322144420.

ClinVar aggregate classification (germline): Uncertain significance. Review status: criteria provided, single submitter (1 of 4 stars). 2 submissions from 2 submitters: Uncertain significance (1). 1 of the submissions does not count toward it. Last evaluated 2023-04-26.

Conditions:
TANGO2-related disorder. Also called: TANGO2-related condition.

Allele frequency attached by ClinVar (database versions not stated): gnomAD 0.00022; TOPMed 0.00023; 1000 Genomes Project 0.00160; 1000 Genomes Project 30x 0.00187.

Submissions (2):

GeneDx
Classification: Uncertain significance. Last evaluated: 2023-04-26. Review status: criteria provided, single submitter. Criteria: GeneDx Variant Classification Process June 2021. Collection method: clinical testing. Allele origin: germline. Affected: yes.
Comment: Has not been previously published as pathogenic or benign to our knowledge; Reported using an alternate transcript of the gene; In-silico analysis is inconclusive as to whether the variant impacts protein structure/function. In the absence of functional studies, the actual effect of this sequence change is unknown

PreventionGenetics, part of Exact Sciences
Classification: Likely benign for TANGO2-related condition. Last evaluated: 2019-10-28. Review status: no assertion criteria provided. Collection method: clinical testing. Allele origin: germline. Not counted in ClinVar's aggregate classification.
Comment: This variant is classified as likely benign based on ACMG/AMP sequence variant interpretation guidelines (Richards et al. 2015 PMID: 25741868, with internal and published modifications).